The following is an entry in ClinVar:

NM_015915.5(ATL1):c.757G>C (p.Val253Leu)

Gene: ATL1 (atlastin GTPase 1; plus strand). Cytogenetic location: 14q22.1.
Variant type: single nucleotide variant.
Coding change: c.757G>C on transcript NM_015915.5 (MANE Select); coding-DNA position 757, G replaced by C.
Protein change: p.Val253Leu; replaces valine 253 with leucine.
Molecular consequence: missense variant.
Genome position (GRCh38, 1-based): chr14:50,614,406, G>C. VCF-style: chr14-50614406-G-C. GRCh37 (hg19) VCF-style: chr14-51081124-G-C.
Other names: c.757G>C, p.Val253Leu (NM_001127713.1, NM_181598.4); short protein forms V253L.
Identifiers: ClinVar variation 3657468 (VCV003657468.3).

ClinVar aggregate classification (germline): Conflicting classifications of pathogenicity. Review status: criteria provided, conflicting classifications (1 of 4 stars). 2 submissions from 2 submitters: Pathogenic (1); Uncertain significance (1). Last evaluated 2025-05-30.

Conditions:
Hereditary spastic paraplegia 3A (SPG3A). Also called: SPASTIC PARAPLEGIA 3, AUTOSOMAL DOMINANT; FAMILIAL SPASTIC PARAPLEGIA, AUTOSOMAL DOMINANT, 1; SPG3; STRUMPELL DISEASE; Spastic Paraplegia 3A; Spastic paraplegia 3A, autosomal dominant. Identifiers: Orphanet 100984, MedGen C2931355, MONDO:0008437, OMIM 182600.

Submissions (2):

Variantyx, Inc.
Classification: Pathogenic for Hereditary spastic paraplegia 3A. Last evaluated: 2025-05-30. Review status: criteria provided, single submitter. Criteria: Variantyx Assertion Criteria 2022. Collection method: clinical testing. Allele origin: de novo. Inheritance: Autosomal dominant inheritance. Affected: yes.
Comment: This is a nonsynonymous variant in the ATL1 gene (OMIM: 606439). Pathogenic variants in this gene have been associated with autosomal dominant spastic paraplegia 3A. Multiple computational algorithms predict no functional impact for this variant (REVEL score: 0.192) (BP4), and an alternate amino acid change at this position (p.Val253Ile) has been previously reported in similarly affected individuals, which suggests that this residue is biologically important (PMID: 15596607, 16401858, 17285536) (PM5). This variant is absent from control populations (PM2). Based on the current evidence, this variant is classified as pathogenic for autosomal dominant spastic paraplegia 3A.

Labcorp Genetics (formerly Invitae), Labcorp
Classification: Uncertain significance for Hereditary spastic paraplegia 3A. Last evaluated: 2024-06-22. Review status: criteria provided, single submitter. Criteria: Invitae Variant Classification Sherloc (09022015). Collection method: clinical testing. Allele origin: germline.
Comment: This sequence change replaces valine, which is neutral and non-polar, with leucine, which is neutral and non-polar, at codon 253 of the ATL1 protein (p.Val253Leu). This variant is not present in population databases (gnomAD no frequency). This variant has not been reported in the literature in individuals affected with ATL1-related conditions. Advanced modeling of protein sequence and biophysical properties (such as structural, functional, and spatial information, amino acid conservation, physicochemical variation, residue mobility, and thermodynamic stability) performed at Invitae indicates that this missense variant is not expected to disrupt ATL1 protein function with a negative predictive value of 80%. This variant disrupts the p.Val253 amino acid residue in ATL1. Other variant(s) that disrupt this residue have been determined to be pathogenic (PMID: 15596607, 16401858, 17285536, 20932283, 24604904, 26208798). This suggests that this residue is clinically significant, and that variants that disrupt this residue are likely to be disease-causing. In summary, the available evidence is currently insufficient to determine the role of this variant in disease. Therefore, it has been classified as a Variant of Uncertain Significance.

Literature cited by the submitters: PubMed 15596607 (cited by Variantyx, Inc. and Labcorp Genetics (formerly Invitae), Labcorp); PubMed 16401858 (cited by Variantyx, Inc. and Labcorp Genetics (formerly Invitae), Labcorp); PubMed 17285536 (cited by Variantyx, Inc. and Labcorp Genetics (formerly Invitae), Labcorp); PubMed 20932283 (cited by Labcorp Genetics (formerly Invitae), Labcorp); PubMed 24604904 (cited by Labcorp Genetics (formerly Invitae), Labcorp); PubMed 26208798 (cited by Labcorp Genetics (formerly Invitae), Labcorp).